The following is an entry in ClinVar:

NM_000059.4(BRCA2):c.7930A>G (p.Asn2644Asp)

Gene: BRCA2 (BRCA2 DNA repair associated; plus strand). Cytogenetic location: 13q13.1.
Variant type: single nucleotide variant.
Coding change: c.7930A>G on transcript NM_000059.4 (MANE Select); coding-DNA position 7930, A replaced by G.
Protein change: p.Asn2644Asp; replaces asparagine 2644 with aspartic acid.
Molecular consequence: missense variant.
Genome position (GRCh38, 1-based): chr13:32,362,647, A>G. VCF-style: chr13-32362647-A-G. GRCh37 (hg19) VCF-style: chr13-32936784-A-G.
Other names: N2664D; 8158A>G; short protein forms N2644D.
Identifiers: ClinVar variation 96862 (VCV000096862.25), dbSNP rs431825360, ClinGen allele CA025340.

ClinVar aggregate classification (germline): Conflicting classifications of pathogenicity. Review status: criteria provided, conflicting classifications (1 of 4 stars). 10 submissions from 10 submitters: Uncertain significance (7); Likely benign (2). 1 of the submissions does not count toward it. Last evaluated 2025-08-14.

Conditions:
Hereditary cancer-predisposing syndrome. Also called: Hereditary Cancer Syndrome; Neoplastic Syndromes, Hereditary; Hereditary neoplastic syndrome; Tumor predisposition. Identifiers: Orphanet 140162, MedGen C0027672, MeSH D009386, MONDO:0015356.
Hereditary breast ovarian cancer syndrome. Also called: Breast and ovarian cancer; Hereditary breast and/or ovarian cancer syndrome; Hereditary breast and ovarian cancer; Hereditary breast and ovarian cancer syndrome; Hereditary breast and ovarian cancer syndrome (HBOC); BRCA1- and BRCA2-Associated Hereditary Breast and Ovarian Cancer. Identifiers: Orphanet 145, MedGen C0677776, MeSH D061325, MONDO:0003582. Disease mechanism: loss of function.
Breast-ovarian cancer, familial, susceptibility to, 2 (BROVCA2). Also called: BRCA2 Hereditary Breast and Ovarian Cancer. Identifiers: Orphanet 145, MedGen C2675520, MONDO:0012933, OMIM 612555. Disease mechanism: loss of function.

Allele frequency attached by ClinVar (database versions not stated): gnomAD exomes below 0.00001 and 0.00001; ExAC 0.00001; gnomAD 0.00001.
gnomAD v4.1: 4 of 1,614,118 alleles (0.00025%); highest among the groups gnomAD compares: Non-Finnish European, 0.00034%; no homozygotes.

Submissions (10):

Labcorp Genetics (formerly Invitae), Labcorp
Classification: Uncertain significance for Hereditary breast ovarian cancer syndrome. Last evaluated: 2025-08-14. Review status: criteria provided, single submitter. Criteria: Invitae Variant Classification Sherloc (09022015). Collection method: clinical testing. Allele origin: germline.
Comment: This sequence change replaces asparagine, which is neutral and polar, with aspartic acid, which is acidic and polar, at codon 2644 of the BRCA2 protein (p.Asn2644Asp). This variant is present in population databases (rs431825360, gnomAD 0.002%). This missense change has been observed in individual(s) with BRCA2-related conditions (PMID: 27882536). ClinVar contains an entry for this variant (Variation ID: 96862). Invitae Evidence Modeling of protein sequence and biophysical properties (such as structural, functional, and spatial information, amino acid conservation, physicochemical variation, residue mobility, and thermodynamic stability) indicates that this missense variant is not expected to disrupt BRCA2 protein function with a negative predictive value of 95%. Experimental studies have shown that this missense change does not substantially affect BRCA2 function (PMID: 30696104). In summary, the available evidence is currently insufficient to determine the role of this variant in disease. Therefore, it has been classified as a Variant of Uncertain Significance.

Myriad Genetics, Inc.
Classification: Likely benign for Breast-ovarian cancer, familial, susceptibility to, 2. Last evaluated: 2025-02-05. Review status: criteria provided, single submitter. Criteria: Myriad Autosomal Dominant, Autosomal Recessive and X-Linked Classification Criteria (2023). Collection method: clinical testing. Allele origin: unknown.
Comment: This variant is considered likely benign. This variant is strongly associated with less severe personal and family histories of cancer, typical for individuals without pathogenic variants in this gene [PMID: 25085752].

Institute for Genomic Medicine (IGM) Clinical Laboratory, Nationwide Children's Hospital
Classification: Uncertain significance for Hereditary cancer-predisposing syndrome. Last evaluated: 2023-02-14. Review status: criteria provided, single submitter. Criteria: ACMG Guidelines, 2015. Collection method: clinical testing. Allele origin: germline.
Comment: This variant is absent from or present at an exceedingly low frequency in gnomAD, a large-scale control population database (ACMG/AMP: PM2). This variant results in a missense alteration in a gene for which primarily truncating variants are known to cause disease (ACMG/AMP: BP1).

Ambry Genetics
Classification: Likely benign for Hereditary cancer-predisposing syndrome. Last evaluated: 2022-01-05. Review status: criteria provided, single submitter. Criteria: Ambry Variant Classification Scheme 2023. Collection method: clinical testing. Allele origin: germline.

Genetic Services Laboratory, University of Chicago
Classification: Uncertain significance. Last evaluated: 2021-09-22. Review status: criteria provided, single submitter. Criteria: ACMG Guidelines, 2015. Collection method: clinical testing. Allele origin: germline. Affected: no.
Comment: DNA sequence analysis of the BRCA2 gene demonstrated a sequence change, c.7930A>G, in exon 17 that results in an amino acid change, p.Asn2644Asp. This sequence change has been described in the gnomAD database with a frequency of 0.0018% in the non-Finnish European subpopulation (dbSNP rs431825360). This sequence change has been previously described in an individual with breast and/or ovarian cancer (PMID: 27882536). The p.Asn2644Asp change affects a moderately conserved amino acid residue located in a domain of the BRCA2 protein that is known to be functional. In-silico pathogenicity prediction tools (SIFT, PolyPhen2, Align GVGD, REVEL) provide contradictory results for the p.Asn2644Asp substitution. Experimental studies have demonstrated that this variant does not substantially impact the function of the BRCA2 protein (PMID: 30696104). Due to insufficient evidences and the lack of functional studies, the clinical significance of the p.Asn2644Asp change remains unknown at this time.

GeneDx
Classification: Uncertain significance. Last evaluated: 2021-01-14. Review status: criteria provided, single submitter. Criteria: GeneDx Variant Classification Process June 2021. Collection method: clinical testing. Allele origin: germline. Affected: yes.
Comment: Not observed at a significant frequency in large population cohorts (Lek 2016); In silico analysis supports that this missense variant does not alter protein structure/function; Also known as 8158A>G; Observed in individuals with BRCA2-related cancer (Loizidou 2017); Published functional studies suggest this variant has no impact on DSS1 interaction (Caleca 2019); This variant is associated with the following publications: (PMID: 27882536, 31131967, 30696104)

Color Diagnostics, LLC DBA Color Health
Classification: Uncertain significance for Hereditary cancer-predisposing syndrome. Last evaluated: 2019-10-22. Review status: criteria provided, single submitter. Criteria: ACMG Guidelines, 2015. Collection method: clinical testing. Allele origin: germline.
Comment: This missense variant replaces asparagine with aspartic acid at codon 2644 of the BRCA2 protein. Computational prediction suggests that this variant may not impact protein structure and function (internally defined REVEL score threshold <= 0.5, PMID: 27666373). Splice site prediction tools suggest that this variant may not impact RNA splicing. A functional study has shown that the variant has neutral impact on BRCA2/DSS1 interaction (PMID: 30696104). This variant has been reported in an individual affected with BRCA2-related cancer (PMID: 27882536). This variant has also been identified in 2/251304 chromosomes in the general population by the Genome Aggregation Database (gnomAD). The available evidence is insufficient to determine the role of this variant in disease conclusively. Therefore, this variant is classified as a Variant of Uncertain Significance.

Mendelics
Classification: Uncertain significance for Breast-ovarian cancer, familial, susceptibility to, 2. Last evaluated: 2019-05-28. Review status: criteria provided, single submitter. Criteria: Mendelics Assertion Criteria 2017. Collection method: clinical testing. Allele origin: unknown.

Women's Health and Genetics/Laboratory Corporation of America, LabCorp
Classification: Uncertain significance. Last evaluated: 2019-04-02. Review status: criteria provided, single submitter. Criteria: LabCorp Variant Classification Summary - May 2015. Collection method: clinical testing. Allele origin: germline.
Comment: Variant summary: BRCA2 c.7930A>G (p.Asn2644Asp) results in a conservative amino acid change located in the helical domain (IPR015252), which is part of the DNA-binding domain and also mediates binding to DSS1 (Caleca 2019). Three of five in-silico tools predict a benign effect of the variant on protein function. The variant allele was found at a frequency of 8.1e-06 in 246076 control chromosomes (gnomAD). The available data on variant occurrences in the general population are insufficient to allow any conclusion about variant significance. The variant, c.7930A>G, has been reported in the literature in individuals affected with tumors that belong to the HBOC spectrum (Azzollini 2016, Loizidou 2017), however one of these patients also carried another likely pathogenic BRCA2 variant that could explain the disease phenotype (Azzollini 2016). These reports therefore do not provide unequivocal conclusions about association of the variant with Hereditary Breast and Ovarian Cancer. At least one publication reports experimental evidence evaluating an impact on protein function, demonstrating that the variant did not affect the interaction with DSS1 (Caleca 2019), however as other functional studies, e.g. homology directed repair (HDR) assay, were not performed, this report does not allow convincing conclusions about the overall variant effect (Caleca 2019). Two clinical diagnostic laboratories have submitted clinical-significance assessments for this variant to ClinVar after 2014 without evidence for independent evaluation and classified the variant as uncertain significance. Based on the evidence outlined above, the variant was classified as uncertain significance.

Sharing Clinical Reports Project (SCRP)
Classification: Uncertain significance for Breast-ovarian cancer, familial 2. Last evaluated: 2012-04-17. Review status: no assertion criteria provided. Collection method: clinical testing. Allele origin: germline. Not counted in ClinVar's aggregate classification.

Literature cited by the submitters: PubMed 27882536 (cited by 3 submitters); PubMed 30696104 (cited by 3 submitters); PubMed 25085752 (cited by Myriad Genetics, Inc.).